The following is an entry in ClinVar:

ClinVar aggregate classification (germline): Uncertain significance. Review status: criteria provided, multiple submitters, no conflicts (2 of 4 stars). 3 submissions from 3 submitters: Uncertain significance (3). Last evaluated 2025-05-18.

Conditions:
Inborn genetic diseases. Identifiers: MedGen C0950123, MeSH D030342.

Allele frequency attached by ClinVar (database versions not stated): gnomAD exomes 0.00001 and 0.00003; ExAC 0.00003; gnomAD 0.00018 and 0.00019; TOPMed 0.00021; ESP Exome Variant Server 0.00031.
gnomAD v4.1: 34 of 1,611,218 alleles (0.0021%); highest among the groups gnomAD compares: African/African-American, 0.044%; no homozygotes.

Submissions (3):

Ambry Genetics
Classification: Uncertain significance for Inborn genetic diseases. Last evaluated: 2025-05-18. Review status: criteria provided, single submitter. Criteria: Ambry Variant Classification Scheme 2023. Collection method: clinical testing. Allele origin: germline.

Blueprint Genetics
Classification: Uncertain significance. Last evaluated: 2022-09-10. Review status: criteria provided, single submitter. Criteria: ACMG Guidelines, 2015. Collection method: clinical testing. Allele origin: germline.

Labcorp Genetics (formerly Invitae), Labcorp
Classification: Uncertain significance. Last evaluated: 2022-07-26. Review status: criteria provided, single submitter. Criteria: Invitae Variant Classification Sherloc (09022015). Collection method: clinical testing. Allele origin: germline.
Comment: This sequence change replaces glutamic acid, which is acidic and polar, with glycine, which is neutral and non-polar, at codon 370 of the CNGB1 protein (p.Glu370Gly). The frequency data for this variant in the population databases is considered unreliable, as metrics indicate poor data quality at this position in the gnomAD database. This variant has not been reported in the literature in individuals affected with CNGB1-related conditions. ClinVar contains an entry for this variant (Variation ID: 1420571). Advanced modeling of protein sequence and biophysical properties (such as structural, functional, and spatial information, amino acid conservation, physicochemical variation, residue mobility, and thermodynamic stability) performed at Invitae indicates that this missense variant is not expected to disrupt CNGB1 protein function. In summary, the available evidence is currently insufficient to determine the role of this variant in disease. Therefore, it has been classified as a Variant of Uncertain Significance.

NM_001297.5(CNGB1):c.1109A>G (p.Glu370Gly)

Gene: CNGB1 (cyclic nucleotide gated channel subunit beta 1; minus strand). Cytogenetic location: 16q21.
Variant type: single nucleotide variant.
Coding change: c.1109A>G on transcript NM_001297.5 (MANE Select); coding-DNA position 1109, A replaced by G.
Protein change: p.Glu370Gly; replaces glutamic acid 370 with glycine.
Molecular consequence: missense variant.
Genome position (GRCh38, 1-based): chr16:57,949,365, T>C on the plus strand (A>G on the coding strand, the complement: CNGB1 is on the minus strand). VCF-style: chr16-57949365-T-C. GRCh37 (hg19) VCF-style: chr16-57983269-T-C.
Other names: c.1091A>G, p.Glu364Gly (NM_001286130.2); c.1109A>G (NM_001297.4); short protein forms E364G, E370G.
Identifiers: ClinVar variation 1420571 (VCV001420571.7), dbSNP rs371497836, ClinGen allele CA8083560.